The following is an entry in ClinVar:

ClinVar aggregate classification (germline): Benign (1 of 4 stars; one submission).

Allele frequency attached by ClinVar (database versions not stated): 1000 Genomes Project 0.01438; gnomAD 0.01538 and 0.01668; 1000 Genomes Project 30x 0.01562; TOPMed 0.01722.
gnomAD v4.1: 3,989 of 1,290,452 alleles (0.31%); highest among the groups gnomAD compares: African/African-American, 5.2%; 96 homozygotes.

Submission:

GeneDx
Classification: Benign. Last evaluated: 2020-02-25. Review status: criteria provided, single submitter. Criteria: GeneDx Variant Classification Process June 2021. Collection method: clinical testing. Allele origin: germline. Affected: yes.
Comment: This variant is associated with the following publications: (PMID: 27651445)

NM_005505.5(SCARB1):c.726+55G>A

Gene: SCARB1 (scavenger receptor class B member 1; minus strand). Cytogenetic location: 12q24.31.
Variant type: single nucleotide variant.
Coding change: c.726+55G>A on transcript NM_005505.5 (MANE Select); 55 bases into the intron after coding-DNA position 726, G replaced by A.
Molecular consequence: intron variant.
Genome position (GRCh38, 1-based): chr12:124,811,815, C>T on the plus strand (G>A on the coding strand, the complement: SCARB1 is on the minus strand). VCF-style: chr12-124811815-C-T. GRCh37 (hg19) VCF-style: chr12-125296361-C-T.
Other names: c.726+55G>A (NM_001367988.1, NM_001367985.1, NM_001367987.1 and 6 more transcripts); c.603+55G>A (NM_001367982.1).
Identifiers: ClinVar variation 1280787 (VCV001280787.1), dbSNP rs59809936, ClinGen allele CA245225004.
Genomic context (GRCh38, chr12:124,811,815, plus strand): 5'-CTCTTCACGACAAAGGAAGAAGGAGCTCTCTGGTCCCTGCCACTCCCGAGCAGCCATGGC[C>T]GGGCCCACCCTCCCCTCTCCCTGGCGACAGGGGCCCTCGCCTCTCGCCCCTCACCTTGCT-3'